The following is an entry in ClinVar:

NM_032444.4(SLX4):c.678C>A (p.His226Gln)

Gene: SLX4 (SLX4 structure-specific endonuclease subunit; minus strand). Cytogenetic location: 16p13.3.
Variant type: single nucleotide variant.
Coding change: c.678C>A on transcript NM_032444.4 (MANE Select); coding-DNA position 678, C replaced by A.
Protein change: p.His226Gln; replaces histidine 226 with glutamine.
Molecular consequence: missense variant.
Genome position (GRCh38, 1-based): chr16:3,606,556, G>T on the plus strand (C>A on the coding strand, the complement: SLX4 is on the minus strand). VCF-style: chr16-3606556-G-T. GRCh37 (hg19) VCF-style: chr16-3656557-G-T.
Other names: c.678C>A (LRG_503t1); short protein forms H226Q.
Identifiers: ClinVar variation 645019 (VCV000645019.9), dbSNP rs28516461, ClinGen allele CA394533259.

ClinVar aggregate classification (germline): Uncertain significance. Review status: criteria provided, multiple submitters, no conflicts (2 of 4 stars). 2 submissions from 2 submitters: Uncertain significance (2). Last evaluated 2025-06-15.

Conditions:
Fanconi anemia complementation group P. Also called: SLX4-Related Fanconi Anemia. Identifiers: Orphanet 84, MedGen C3469542, MONDO:0013499, OMIM 613951.
Fanconi anemia (FA). Also called: Fanconi's anemia. Identifiers: Orphanet 84, MedGen C0015625, MeSH D005199, MONDO:0019391.

Allele frequency attached by ClinVar (database versions not stated): TOPMed 0.00002.
gnomAD v4.1: 4 of 1,613,996 alleles (0.00025%); highest among the groups gnomAD compares: Admixed American, 0.005%; no homozygotes.

Submissions (2):

Labcorp Genetics (formerly Invitae), Labcorp
Classification: Uncertain significance for Fanconi anemia. Last evaluated: 2025-06-15. Review status: criteria provided, single submitter. Criteria: Invitae Variant Classification Sherloc (09022015). Collection method: clinical testing. Allele origin: germline.
Comment: This sequence change replaces histidine, which is basic and polar, with glutamine, which is neutral and polar, at codon 226 of the SLX4 protein (p.His226Gln). This variant is present in population databases (no rsID available, gnomAD 0.06%). This variant has not been reported in the literature in individuals affected with SLX4-related conditions. ClinVar contains an entry for this variant (Variation ID: 645019). An algorithm developed to predict the effect of missense changes on protein structure and function (PolyPhen-2) suggests that this variant is likely to be disruptive. In summary, the available evidence is currently insufficient to determine the role of this variant in disease. Therefore, it has been classified as a Variant of Uncertain Significance.

Revvity Omics, Revvity
Classification: Uncertain significance for Fanconi anemia complementation group P. Last evaluated: 2019-09-04. Review status: criteria provided, single submitter. Criteria: ACMG Guidelines, 2015. Collection method: clinical testing. Allele origin: germline.